The following is an entry in ClinVar:

NM_001754.5(RUNX1):c.*2532G>A

Gene: RUNX1 (RUNX family transcription factor 1; minus strand). Cytogenetic location: 21q22.12.
Variant type: single nucleotide variant.
Coding change: c.*2532G>A on transcript NM_001754.5 (MANE Select); 2532 bases downstream of the stop codon, G replaced by A.
Molecular consequence: 3 prime UTR variant.
Genome position (GRCh38, 1-based): chr21:34,789,603, C>T on the plus strand (G>A on the coding strand, the complement: RUNX1 is on the minus strand). VCF-style: chr21-34789603-C-T. GRCh37 (hg19) VCF-style: chr21-36161900-C-T.
Other names: c.*2532G>A (NM_001001890.3).
Identifiers: ClinVar variation 339828 (VCV000339828.6), dbSNP rs886057037, ClinGen allele CA10652913.

ClinVar aggregate classification (germline): Benign. Review status: reviewed by expert panel (3 of 4 stars). 2 submissions from 2 submitters: Benign (1). 1 of the submissions does not count toward it. Last evaluated 2024-09-10.

Conditions:
Hereditary thrombocytopenia and hematologic cancer predisposition syndrome. Identifiers: Orphanet 71290, MedGen CN281654, MONDO:0011071.
Hereditary thrombocytopenia and hematological cancer predisposition syndrome associated with RUNX1. Also called: PLATELET DISORDER, ASPIRIN-LIKE; RUNX1 Familial Platelet Disorder with Associated Myeloid Malignancies; Familial Platelet Disorder with Propensity to Acute Myelogenous Leukemia; Familial thrombocytopenia with propensity to acute myelogenous leukemia. Identifiers: Orphanet 71290, MedGen C1832388, MeSH C563324, MONDO:0100083, OMIM 601399.

Allele frequency attached by ClinVar (database versions not stated): gnomAD 0.00011 and 0.00012; TOPMed 0.00017; gnomAD exomes 0.00034.
gnomAD v4.1: 47 of 233,026 alleles (0.02%); highest among the groups gnomAD compares: Non-Finnish European, 0.0068%; no homozygotes.

Submissions (2):

ClinGen Myeloid Malignancy Variant Curation Expert Panel
Classification: Benign for Hereditary thrombocytopenia and hematologic cancer predisposition syndrome. Last evaluated: 2024-09-10. Review status: reviewed by expert panel. Criteria: ClinGen MyeloMalig ACMG Specifications v2. Collection method: curation. Allele origin: germline. Inheritance: Autosomal dominant inheritance.
Comment: NM_001754.5(RUNX1):c.*2532G>A is a variant within the 3'UTR. Its minor allele frequency (MAF) of 0.003724 (0.3724%, 32/8594 alleles) in the Ashkenazi Jewish subpopulation of the gnomAD v4.0.0 cohort is ≥ 0.0015 (0.15%) (BA1). This variant has a SpliceAI score ≤ 0.20 (0.0) and does not have an impact on the protein (BP4). Evolutionary conservation prediction algorithms predict the site as not being conserved (PhyloP score ≤ 2.0 (-1.16)) (BP7). In summary, this variant meets criteria to be classified as benign. ACMG/AMP criteria applied, as specified by the Myeloid Malignancy Variant Curation Expert Panel for RUNX1: BA1, BP4, BP7.

Illumina Laboratory Services, Illumina
Classification: Uncertain significance for Hereditary thrombocytopenia and hematological cancer predisposition syndrome associated with RUNX1. Last evaluated: 2018-01-12. Review status: criteria provided, single submitter. Criteria: ICSL Variant Classification Criteria 13 December 2019. Collection method: clinical testing. Allele origin: germline. Not counted in ClinVar's aggregate classification.